The following is an entry in ClinVar:

NM_181523.3(PIK3R1):c.1180G>T (p.Asp394Tyr)

Gene: PIK3R1 (phosphoinositide-3-kinase regulatory subunit 1; plus strand). Cytogenetic location: 5q13.1.
Variant type: single nucleotide variant.
Coding change: c.1180G>T on transcript NM_181523.3 (MANE Select); coding-DNA position 1180, G replaced by T.
Protein change: p.Asp394Tyr; replaces aspartic acid 394 with tyrosine.
Molecular consequence: missense variant.
Genome position (GRCh38, 1-based): chr5:68,293,364, G>T. VCF-style: chr5-68293364-G-T. GRCh37 (hg19) VCF-style: chr5-67589192-G-T.
Other names: c.91G>T, p.Asp31Tyr (NM_001242466.2); c.370G>T, p.Asp124Tyr (NM_181504.4); c.280G>T, p.Asp94Tyr (NM_181524.2); short protein forms D124Y, D31Y, D394Y, D94Y.
Identifiers: ClinVar variation 3754716 (VCV003754716.2).

ClinVar aggregate classification (germline): Uncertain significance (1 of 4 stars; one submission).

Conditions:
Agammaglobulinemia 7, autosomal recessive (AGM7). Also called: AGAMMAGLOBULINEMIA, AUTOSOMAL RECESSIVE, DUE TO PIK3R1 DEFECT. Identifiers: MedGen C3554689, MONDO:0014083, OMIM 615214.
Immunodeficiency 36 with lymphoproliferation. Also called: Immunodeficiency 36; ACTIVATED PI3K-DELTA SYNDROME 2; Activated PI3K Delta Syndrome Type 2 (APDS2). Identifiers: Orphanet 397596, Orphanet 693681, MedGen C4014934, MONDO:0014453, OMIM 616005.
SHORT syndrome. Also called: SHORT STATURE, HYPEREXTENSIBILITY, HERNIA, OCULAR DEPRESSION, RIEGER ANOMALY, AND TEETHING DELAY; LIPODYSTROPHY, PARTIAL, WITH RIEGER ANOMALY AND SHORT STATURE; PIK3R1-Related SHORT Syndrome. Identifiers: Orphanet 3163, MedGen C0878684, MONDO:0010026, OMIM 269880.

Submission:

Labcorp Genetics (formerly Invitae), Labcorp
Classification: Uncertain significance for SHORT syndrome; Immunodeficiency 36 with lymphoproliferation; Agammaglobulinemia 7, autosomal recessive. Last evaluated: 2024-02-24. Review status: criteria provided, single submitter. Criteria: Invitae Variant Classification Sherloc (09022015). Collection method: clinical testing. Allele origin: germline.
Comment: This sequence change replaces aspartic acid, which is acidic and polar, with tyrosine, which is neutral and polar, at codon 394 of the PIK3R1 protein (p.Asp394Tyr). This variant is not present in population databases (gnomAD no frequency). This variant has not been reported in the literature in individuals affected with PIK3R1-related conditions. Advanced modeling of protein sequence and biophysical properties (such as structural, functional, and spatial information, amino acid conservation, physicochemical variation, residue mobility, and thermodynamic stability) performed at Invitae indicates that this missense variant is not expected to disrupt PIK3R1 protein function with a negative predictive value of 80%. In summary, the available evidence is currently insufficient to determine the role of this variant in disease. Therefore, it has been classified as a Variant of Uncertain Significance.